The following is an entry in ClinVar:

NM_020297.4(ABCC9):c.1012-7G>A

Gene: ABCC9 (ATP binding cassette subfamily C member 9; minus strand). Cytogenetic location: 12p12.1.
Variant type: single nucleotide variant.
Coding change: c.1012-7G>A on transcript NM_020297.4 (MANE Select); 7 bases into the intron before coding-DNA position 1012, G replaced by A.
Molecular consequence: intron variant.
Genome position (GRCh38, 1-based): chr12:21,910,985, C>T on the plus strand (G>A on the coding strand, the complement: ABCC9 is on the minus strand). VCF-style: chr12-21910985-C-T. GRCh37 (hg19) VCF-style: chr12-22063919-C-T.
Other names: c.148-7G>A (NM_001377274.1); c.1012-7G>A (NM_005691.4, NM_001377273.1).
Identifiers: ClinVar variation 162692 (VCV000162692.10), dbSNP rs727502874, ClinGen allele CA175159.

ClinVar aggregate classification (germline): Uncertain significance. Review status: criteria provided, multiple submitters, no conflicts (2 of 4 stars). 4 submissions from 4 submitters: Uncertain significance (4). Last evaluated 2025-07-06.

Conditions:
Dilated cardiomyopathy 1O (CMD1O). Also called: CARDIOMYOPATHY, DILATED, WITH VENTRICULAR TACHYCARDIA. Identifiers: Orphanet 154, MedGen C1837839, MONDO:0012062, OMIM 608569.
Atrial fibrillation, familial, 12 (ATFB12). Identifiers: MedGen C3279695, MONDO:0013545, OMIM 614050.
Hypertrichotic osteochondrodysplasia Cantu type. Also called: Cantu Syndrome; Cantú Syndrome. Identifiers: Orphanet 1517, MedGen C0795905, MONDO:0009406, OMIM 239850.

Allele frequency attached by ClinVar (database versions not stated): gnomAD exomes below 0.00001 and 0.00001; ExAC 0.00001; gnomAD 0.00002 and 0.00003; TOPMed 0.00002.
gnomAD v4.1: 6 of 1,610,302 alleles (0.00037%); highest among the groups gnomAD compares: Non-Finnish European, 0.00042%; no homozygotes.

Submissions (4):

Labcorp Genetics (formerly Invitae), Labcorp
Classification: Uncertain significance for Dilated cardiomyopathy 1O. Last evaluated: 2025-07-06. Review status: criteria provided, single submitter. Criteria: Invitae Variant Classification Sherloc (09022015). Collection method: clinical testing. Allele origin: germline.
Comment: This sequence change falls in intron 6 of the ABCC9 gene. It does not directly change the encoded amino acid sequence of the ABCC9 protein. This variant is present in population databases (rs727502874, gnomAD 0.003%). This variant has not been reported in the literature in individuals affected with ABCC9-related conditions. ClinVar contains an entry for this variant (Variation ID: 162692). Algorithms developed to predict the effect of sequence changes on RNA splicing suggest that this variant may create or strengthen a splice site. In summary, the available evidence is currently insufficient to determine the role of this variant in disease. Therefore, it has been classified as a Variant of Uncertain Significance.

GeneDx
Classification: Uncertain significance. Last evaluated: 2024-08-28. Review status: criteria provided, single submitter. Criteria: GeneDx Variant Classification Process June 2021. Collection method: clinical testing. Allele origin: germline. Affected: yes.
Comment: Not observed at significant frequency in large population cohorts (gnomAD); In silico analysis supports a deleterious effect on splicing; Has not been previously published as pathogenic or benign to our knowledge

Fulgent Genetics
Classification: Uncertain significance for Hypertrichotic osteochondrodysplasia Cantu type; Dilated cardiomyopathy 1O; Atrial fibrillation, familial, 12. Last evaluated: 2018-10-31. Review status: criteria provided, single submitter. Criteria: ACMG Guidelines, 2015. Collection method: clinical testing. Allele origin: unknown.

Laboratory for Molecular Medicine, Mass General Brigham Personalized Medicine
Classification: Uncertain significance. Last evaluated: 2013-08-11. Review status: criteria provided, single submitter. Criteria: LMM Criteria. Collection method: clinical testing. Allele origin: germline. Observed: 1 variant allele.
Comment: The 1012-7G>A variant in ABCC9 has not been reported in individuals with cardiom yopathy or in large population studies. This variant is located in the 3' splice region. Computational tools suggest a possible impact to splicing, though this information is not predictive enough to determine pathogenicity. Additional stud ies are needed to fully assess the clinical significance of this variant.